The following is an entry in ClinVar:

ClinVar aggregate classification (germline): Pathogenic (1 of 4 stars; one submission).

Conditions:
DICER1-related tumor predisposition. Also called: DICER1 syndrome; DICER1-related pleuropulmonary blastoma cancer predisposition syndrome. Identifiers: Orphanet 284343, MedGen C3839822, MONDO:0100216.

Submission:

Department of Clinical Genetics, Copenhagen University Hospital, Rigshospitalet
Classification: Pathogenic for DICER1-related tumor predisposition. Last evaluated: 2025-01-24. Review status: criteria provided, single submitter. Criteria: ACMG Guidelines, 2015. Collection method: clinical testing. Allele origin: germline.
Comment: The following ACMG criteria have been used in classification: PM2_SUP; PVS1; PS4_SUP

Literature cited by the submitters: PubMed 34552563.

NM_177438.3(DICER1):c.3434del (p.Asn1145fs)

Gene: DICER1 (dicer 1, ribonuclease III; minus strand). Cytogenetic location: 14q32.13.
Variant type: Deletion.
Coding change: c.3434del on transcript NM_177438.3 (MANE Select); coding-DNA position 3434, one base deleted (A; older notation c.3434delA).
Protein change: p.Asn1145fs; shifts the reading frame from asparagine 1145.
Molecular consequence: frameshift variant. On other transcripts: non-coding transcript variant (6).
Genome position (GRCh38, 1-based): chr14:95,103,962, T deleted on the plus strand (A on the coding strand, the reverse complement: DICER1 is on the minus strand); the first of 4 consecutive T bases (chr14:95,103,962-95,103,965); deleting any one gives the same sequence. VCF-style (leftmost placement, unchanged base first): chr14-95103961-AT-A. GRCh37 (hg19) VCF-style: chr14-95570298-AT-A.
Other names: c.3434del, p.Asn1145fs (NM_001395684.1, NM_001395692.1, NM_001395693.1 and 12 more transcripts); c.3152del, p.Asn1051fs (NM_001395686.1); c.3029del, p.Asn1010fs (NM_001395687.1, NM_001395688.1, NM_001395689.1 and 2 more transcripts); c.2867del, p.Asn956fs (NM_001395691.1); c.1751del, p.Asn584fs (NM_001395697.1); short protein forms N1010fs, N1051fs, N1145fs, N584fs, N956fs.
Identifiers: ClinVar variation 3602782 (VCV003602782.2).